The following is an entry in ClinVar:

NM_005422.4(TECTA):c.6353del (p.Gly2118fs)

Genes: TBCEL-TECTA (TBCEL-TECTA readthrough; plus strand), TECTA (tectorin alpha; plus strand). Cytogenetic location: 11q23.3.
Variant type: Deletion.
Coding change: c.6353del on transcript NM_005422.4 (MANE Select); coding-DNA position 6353, one base deleted (G; older notation c.6353delG).
Protein change: p.Gly2118fs; shifts the reading frame from glycine 2118.
Molecular consequence: frameshift variant.
Genome position (GRCh38, 1-based): chr11:121,189,866, G deleted; the last of 2 consecutive G bases (chr11:121,189,865-121,189,866); deleting either gives the same sequence. VCF-style (leftmost placement, unchanged base first): chr11-121189864-CG-C. GRCh37 (hg19) VCF-style: chr11-121060573-CG-C.
Other names: c.6353delG (NM_005422.2); c.6352delG (NM_005422.4); c.7295del, p.Gly2432fs (NM_001378761.1); short protein forms G2118fs, G2432fs.
Identifiers: ClinVar variation 1186525 (VCV001186525.7), dbSNP rs1223512271, ClinGen allele CA602222056.

ClinVar aggregate classification (germline): Conflicting classifications of pathogenicity. Review status: criteria provided, conflicting classifications (1 of 4 stars). 2 submissions from 2 submitters: Likely pathogenic (1); Uncertain significance (1). Last evaluated 2022-01-25.

Conditions:
Meniere disease. Also called: Ménière's disease. Identifiers: MedGen C0025281, MONDO:0007972, OMIM 156000.

Submissions (2):

Otology & Neurotology- Genomics of vestibular disorders (CTS-495), Jose Antonio López Escámez, Centro Pfizer - Universidad de Granada - Junta de Andalucía de Genómica e Investigación Oncológica (GENYO)
Classification: Likely pathogenic for Meniere disease. Last evaluated: 2022-01-25. Review status: criteria provided, single submitter. Criteria: ACMG Guidelines, 2015. Collection method: case-control. Allele origin: germline. Affected: yes. Observed: 1 heterozygote.

GeneDx
Classification: Uncertain significance. Last evaluated: 2021-09-09. Review status: criteria provided, single submitter. Criteria: GeneDx Variant Classification Process June 2021. Collection method: clinical testing. Allele origin: germline. Affected: yes.
Comment: Frameshift variant predicted to result in protein truncation as the last 38 amino acids are replaced with 21 different amino acids, although loss-of-function variants have not been reported downstream of this position in the protein; Has not been previously published as pathogenic or benign to our knowledge